The following is an entry in ClinVar:

NM_000075.4(CDK4):c.326C>T (p.Pro109Leu)

Gene: CDK4 (cyclin dependent kinase 4; minus strand). Cytogenetic location: 12q14.1.
Variant type: single nucleotide variant.
Coding change: c.326C>T on transcript NM_000075.4 (MANE Select); coding-DNA position 326, C replaced by T.
Protein change: p.Pro109Leu; replaces proline 109 with leucine.
Molecular consequence: missense variant.
Genome position (GRCh38, 1-based): chr12:57,751,235, G>A on the plus strand (C>T on the coding strand, the complement: CDK4 is on the minus strand). VCF-style: chr12-57751235-G-A. GRCh37 (hg19) VCF-style: chr12-58145018-G-A.
Other names: short protein forms P109L.
Identifiers: ClinVar variation 823359 (VCV000823359.5), dbSNP rs1595110701, ClinGen allele CA385547638.

ClinVar aggregate classification (germline): Uncertain significance (1 of 4 stars; one submission).

Conditions:
Hereditary cancer-predisposing syndrome. Also called: Tumor predisposition; Hereditary Cancer Syndrome; Neoplastic Syndromes, Hereditary; Hereditary neoplastic syndrome. Identifiers: Orphanet 140162, MedGen C0027672, MeSH D009386, MONDO:0015356.

Allele frequency attached by ClinVar (database versions not stated): TOPMed below 0.00001.
gnomAD v4.1: 1 of 1,614,172 alleles (0.000062%); no homozygotes.

Submission:

Ambry Genetics
Classification: Uncertain significance for Hereditary cancer-predisposing syndrome. Last evaluated: 2025-02-05. Review status: criteria provided, single submitter. Criteria: Ambry Variant Classification Scheme 2023. Collection method: clinical testing. Allele origin: germline.
Comment: The p.P109L variant (also known as c.326C>T), located in coding exon 2 of the CDK4 gene, results from a C to T substitution at nucleotide position 326. The proline at codon 109 is replaced by leucine, an amino acid with similar properties. This amino acid position is poorly conserved in available vertebrate species. In addition, this alteration is predicted to be tolerated by in silico analysis. Since supporting evidence is limited at this time, the clinical significance of this alteration remains unclear.